The following is an entry in ClinVar:

NM_194277.3(FRMD7):c.1888C>G (p.Gln630Glu)

Gene: FRMD7 (FERM domain containing 7; minus strand). Cytogenetic location: Xq26.2.
Variant type: single nucleotide variant.
Coding change: c.1888C>G on transcript NM_194277.3 (MANE Select); coding-DNA position 1888, C replaced by G.
Protein change: p.Gln630Glu; replaces glutamine 630 with glutamic acid.
Molecular consequence: missense variant.
Genome position (GRCh38, 1-based): chrX:132,078,129, G>C on the plus strand (C>G on the coding strand, the complement: FRMD7 is on the minus strand). VCF-style: chrX-132078129-G-C. GRCh37 (hg19) VCF-style: chrX-131212157-G-C.
Other names: c.1843C>G, p.Gln615Glu (NM_001306193.2); short protein forms Q630E, Q615E.
Identifiers: ClinVar variation 3721334 (VCV003721334.2).

ClinVar aggregate classification (germline): Uncertain significance (1 of 4 stars; one submission).

Submission:

Labcorp Genetics (formerly Invitae), Labcorp
Classification: Uncertain significance. Last evaluated: 2024-09-22. Review status: criteria provided, single submitter. Criteria: Invitae Variant Classification Sherloc (09022015). Collection method: clinical testing. Allele origin: germline.
Comment: This sequence change replaces glutamine, which is neutral and polar, with glutamic acid, which is acidic and polar, at codon 630 of the FRMD7 protein (p.Gln630Glu). This variant is not present in population databases (gnomAD no frequency). This variant has not been reported in the literature in individuals affected with FRMD7-related conditions. An algorithm developed to predict the effect of missense changes on protein structure and function (PolyPhen-2) suggests that this variant is likely to be tolerated. In summary, the available evidence is currently insufficient to determine the role of this variant in disease. Therefore, it has been classified as a Variant of Uncertain Significance.